The following is an entry in ClinVar:

ClinVar aggregate classification (germline): Uncertain significance (1 of 4 stars; one submission).

Conditions:
Tuberous sclerosis 2 (TSC2). Identifiers: Orphanet 805, MedGen C1860707, MONDO:0013199, OMIM 613254.

Submission:

Labcorp Genetics (formerly Invitae), Labcorp
Classification: Uncertain significance for Tuberous sclerosis 2. Last evaluated: 2021-05-04. Review status: criteria provided, single submitter. Criteria: Invitae Variant Classification Sherloc (09022015). Collection method: clinical testing. Allele origin: germline.
Comment: In summary, the available evidence is currently insufficient to determine the role of this variant in disease. Therefore, it has been classified as a Variant of Uncertain Significance. Advanced modeling of protein sequence and biophysical properties (such as structural, functional, and spatial information, amino acid conservation, physicochemical variation, residue mobility, and thermodynamic stability) performed at Invitae indicates that this missense variant is not expected to disrupt TSC2 protein function. This variant has not been reported in the literature in individuals with TSC2-related conditions. This variant is not present in population databases (ExAC no frequency). This sequence change replaces serine with tryptophan at codon 1799 of the TSC2 protein (p.Ser1799Trp). The serine residue is moderately conserved and there is a large physicochemical difference between serine and tryptophan.

NM_000548.5(TSC2):c.5396C>G (p.Ser1799Trp)

Gene: TSC2 (TSC complex subunit 2; plus strand). Cytogenetic location: 16p13.3.
Variant type: single nucleotide variant.
Coding change: c.5396C>G on transcript NM_000548.5 (MANE Select); coding-DNA position 5396, C replaced by G.
Protein change: p.Ser1799Trp; replaces serine 1799 with tryptophan.
Molecular consequence: missense variant.
Genome position (GRCh38, 1-based): chr16:2,088,582, C>G. VCF-style: chr16-2088582-C-G. GRCh37 (hg19) VCF-style: chr16-2138583-C-G.
Other names: c.5228C>G, p.Ser1743Trp (NM_001318832.2); c.5198C>G, p.Ser1733Trp (NM_001363528.2); c.5264C>G, p.Ser1755Trp (NM_001370404.1); c.5255C>G, p.Ser1752Trp (NM_001370405.1); c.5267C>G, p.Ser1756Trp (NM_021055.3); c.5195C>G, p.Ser1732Trp (NM_001077183.3); c.5327C>G, p.Ser1776Trp (NM_001114382.3); c.5087C>G, p.Ser1696Trp (NM_001318827.2); and 2 more; short protein forms S1555W, S1684W, S1696W, S1732W, S1733W, S1743W, S1752W, S1755W.
Identifiers: ClinVar variation 1053455 (VCV001053455.9), dbSNP rs778484981, ClinGen allele CA394316119.